The following is an entry in ClinVar:

NM_001271696.3(ABCB7):c.180A>G (p.Ser60=)

Gene: ABCB7 (ATP binding cassette subfamily B member 7; minus strand). Cytogenetic location: Xq13.3.
Variant type: single nucleotide variant.
Coding change: c.180A>G on transcript NM_001271696.3 (MANE Select); coding-DNA position 180, A replaced by G.
Protein change: p.Ser60=; no amino-acid change (serine 60 retained).
Molecular consequence: synonymous variant. On other transcripts: intron variant (1).
Genome position (GRCh38, 1-based): chrX:75,114,820, T>C on the plus strand (A>G on the coding strand, the complement: ABCB7 is on the minus strand). VCF-style: chrX-75114820-T-C. GRCh37 (hg19) VCF-style: chrX-74334655-T-C.
Other names: c.180A>G, p.Ser60= (NM_001271697.3); c.183A>G, p.Ser61= (NM_001271699.3, NM_004299.6); c.169-1848A>G (NM_001271698.3).
Identifiers: ClinVar variation 4985600 (VCV004985600.1).

ClinVar aggregate classification (germline): Likely benign (1 of 4 stars; one submission).

Conditions:
ABCB7-related disorder. Also called: ABCB7-related condition.

gnomAD v4.1: 7 of 1,198,967 alleles (0.00058%); highest among the groups gnomAD compares: Non-Finnish European, 0.00079%; no homozygotes.

Submission:

PreventionGenetics, part of Exact Sciences
Classification: Likely benign for ABCB7-related condition. Last evaluated: 2025-03-24. Review status: criteria provided, single submitter. Criteria: ACMG Guidelines, 2015. Collection method: clinical testing. Allele origin: germline.
Comment: This variant is classified as likely benign based on ACMG/AMP sequence variant interpretation guidelines (Richards et al. 2015 PMID: 25741868, with internal and published modifications).